The following is an entry in ClinVar:

NM_024334.3(TMEM43):c.990C>A (p.Leu330=)

Gene: TMEM43 (transmembrane protein 43; plus strand). Cytogenetic location: 3p25.1.
Variant type: single nucleotide variant.
Coding change: c.990C>A on transcript NM_024334.3 (MANE Select); coding-DNA position 990, C replaced by A.
Protein change: p.Leu330=; no amino-acid change (leucine 330 retained).
Molecular consequence: synonymous variant.
Genome position (GRCh38, 1-based): chr3:14,139,287, C>A. VCF-style: chr3-14139287-C-A. GRCh37 (hg19) VCF-style: chr3-14180787-C-A.
Other names: c.993C>A, p.Leu331= (NM_001407274.1); c.987C>A, p.Leu329= (NM_001407275.1, NM_001407276.1); c.984C>A, p.Leu328= (NM_001407277.1); c.975C>A, p.Leu325= (NM_001407278.1); c.915C>A, p.Leu305= (NM_001407279.1); c.840C>A, p.Leu280= (NM_001407280.1).
Identifiers: ClinVar variation 3072238 (VCV003072238.1), dbSNP rs780129544, ClinGen allele CA432552670.

ClinVar aggregate classification (germline): Likely benign (1 of 4 stars; one submission).

Conditions:
Arrhythmogenic right ventricular dysplasia 5. Also called: Arrhythmogenic Right Ventricular Dysplasia/Cardiomyopathy 5; ARRHYTHMOGENIC RIGHT VENTRICULAR DYSPLASIA, FAMILIAL, 5. Identifiers: MedGen C1858379, MONDO:0011459, OMIM 604400.

gnomAD v4.1: 2 of 1,613,736 alleles (0.00012%); highest among the groups gnomAD compares: Admixed American, 0.0033%; no homozygotes.

Submission:

All of Us Research Program, National Institutes of Health
Classification: Likely benign for Arrhythmogenic right ventricular dysplasia 5. Last evaluated: 2023-06-26. Review status: criteria provided, single submitter. Criteria: ACMG Guidelines, 2015. Collection method: clinical testing. Allele origin: germline. Inheritance: Autosomal dominant inheritance. Observed: 1 variant allele, 1 heterozygote.
Comment: This study involves interpretation of variants in research participants for the purpose of population health screening. Participant phenotype was not available at the time of variant classification. Additional details can be found in publication PMID: 35346344, PMCID: PMC8962531